The following is an entry in ClinVar:

NM_001903.5(CTNNA1):c.720C>G (p.Asn240Lys)

Gene: CTNNA1 (catenin alpha 1; plus strand). Cytogenetic location: 5q31.2.
Variant type: single nucleotide variant.
Coding change: c.720C>G on transcript NM_001903.5 (MANE Select); coding-DNA position 720, C replaced by G.
Protein change: p.Asn240Lys; replaces asparagine 240 with lysine.
Molecular consequence: missense variant.
Genome position (GRCh38, 1-based): chr5:138,824,661, C>G. VCF-style: chr5-138824661-C-G. GRCh37 (hg19) VCF-style: chr5-138160350-C-G.
Other names: c.720C>G, p.Asn240Lys (NM_001290307.3, NM_001323982.2, NM_001323983.1 and 3 more transcripts); c.411C>G, p.Asn137Lys (NM_001290309.3); c.351C>G, p.Asn117Lys (NM_001290310.3); short protein forms N117K, N137K, N240K.
Identifiers: ClinVar variation 1478845 (VCV001478845.8), dbSNP rs2149776097, ClinGen allele CA361129839.

ClinVar aggregate classification (germline): Uncertain significance (1 of 4 stars; one submission).

Submission:

Labcorp Genetics (formerly Invitae), Labcorp
Classification: Uncertain significance. Last evaluated: 2021-02-10. Review status: criteria provided, single submitter. Criteria: Invitae Variant Classification Sherloc (09022015). Collection method: clinical testing. Allele origin: germline.
Comment: This sequence change replaces asparagine with lysine at codon 240 of the CTNNA1 protein (p.Asn240Lys). The asparagine residue is highly conserved and there is a moderate physicochemical difference between asparagine and lysine. This variant is not present in population databases (ExAC no frequency). In summary, the available evidence is currently insufficient to determine the role of this variant in disease. Therefore, it has been classified as a Variant of Uncertain Significance. Algorithms developed to predict the effect of missense changes on protein structure and function are either unavailable or do not agree on the potential impact of this missense change (SIFT: "Deleterious"; PolyPhen-2: "Probably Damaging"; Align-GVGD: "Class C0"). This variant has not been reported in the literature in individuals with CTNNA1-related conditions.